The following is an entry in ClinVar:

NM_001135649.3(FOXI3):c.128C>G (p.Ala43Gly)

Gene: FOXI3 (forkhead box I3; minus strand). Cytogenetic location: 2p11.2.
Variant type: single nucleotide variant.
Coding change: c.128C>G on transcript NM_001135649.3 (MANE Select); coding-DNA position 128, C replaced by G.
Protein change: p.Ala43Gly; replaces alanine 43 with glycine.
Molecular consequence: missense variant.
Genome position (GRCh38, 1-based): chr2:88,452,408, G>C on the plus strand (C>G on the coding strand, the complement: FOXI3 is on the minus strand). VCF-style: chr2-88452408-G-C. GRCh37 (hg19) VCF-style: chr2-88751926-G-C.
Other names: short protein forms A43G.
Identifiers: ClinVar variation 3610866 (VCV003610866.2).
Genomic context (GRCh38, chr2:88,452,408, plus strand): 5'-CCTCCCACGCCGGGCCCGTTGAGCCACAGGTAGGGGTTGGCGGCGGCGGCCGGCGGCGCG[G>C]CGTAGTCGGCCAGCCCGTAAGGCGCCCTGGCTGCCGGGGGGGCGCCCGGGGCGGCGGCGG-3'
Protein context (NP_001129121.1, residues 33-53): ARAPYGLADY[Ala43Gly]APPAAAANPY

ClinVar aggregate classification (germline): Uncertain significance (1 of 4 stars; one submission).

Submission:

Labcorp Genetics (formerly Invitae), Labcorp
Classification: Uncertain significance. Last evaluated: 2024-09-06. Review status: criteria provided, single submitter. Criteria: Invitae Variant Classification Sherloc (09022015). Collection method: clinical testing. Allele origin: germline.
Comment: This sequence change replaces alanine, which is neutral and non-polar, with glycine, which is neutral and non-polar, at codon 43 of the FOXI3 protein (p.Ala43Gly). The frequency data for this variant in the population databases is considered unreliable, as metrics indicate insufficient coverage at this position in the gnomAD database. This variant has not been reported in the literature in individuals affected with FOXI3-related conditions. Experimental studies and prediction algorithms are not available or were not evaluated, and the functional significance of this variant is currently unknown. In summary, the available evidence is currently insufficient to determine the role of this variant in disease. Therefore, it has been classified as a Variant of Uncertain Significance.